The following is an entry in ClinVar:

ClinVar aggregate classification (germline): Uncertain significance (1 of 4 stars; one submission).

gnomAD v4.1: 3 of 1,613,622 alleles (0.00019%); highest among the groups gnomAD compares: African/African-American, 0.0027%; no homozygotes.

Submission:

Labcorp Genetics (formerly Invitae), Labcorp
Classification: Uncertain significance. Last evaluated: 2025-04-11. Review status: criteria provided, single submitter. Criteria: Invitae Variant Classification Sherloc (09022015). Collection method: clinical testing. Allele origin: germline.
Comment: This sequence change replaces leucine, which is neutral and non-polar, with valine, which is neutral and non-polar, at codon 31 of the CAPN5 protein (p.Leu31Val). This variant is present in population databases (rs533512554, gnomAD 0.007%). This variant has not been reported in the literature in individuals affected with CAPN5-related conditions. ClinVar contains an entry for this variant (Variation ID: 3682346). Invitae Evidence Modeling of protein sequence and biophysical properties (such as structural, functional, and spatial information, amino acid conservation, physicochemical variation, residue mobility, and thermodynamic stability) indicates that this missense variant is not expected to disrupt CAPN5 protein function with a negative predictive value of 80%. In summary, the available evidence is currently insufficient to determine the role of this variant in disease. Therefore, it has been classified as a Variant of Uncertain Significance.

NM_004055.5(CAPN5):c.91C>G (p.Leu31Val)

Gene: CAPN5 (calpain 5; plus strand). Cytogenetic location: 11q13.5.
Variant type: single nucleotide variant.
Coding change: c.91C>G on transcript NM_004055.5 (MANE Select); coding-DNA position 91, C replaced by G.
Protein change: p.Leu31Val; replaces leucine 31 with valine.
Molecular consequence: missense variant. On other transcripts: non-coding transcript variant (1).
Genome position (GRCh38, 1-based): chr11:77,084,977, C>G. VCF-style: chr11-77084977-C-G. GRCh37 (hg19) VCF-style: chr11-76796023-C-G.
Other names: c.91C>G, p.Leu31Val (NM_001425321.1, NM_001425322.1, NM_001425323.1); short protein forms L31V.
Identifiers: ClinVar variation 3682346 (VCV003682346.2).
Genomic context (GRCh38, chr11:77,084,977, plus strand): 5'-CAGAACTACTCAGCCCTGAGGCGGGACTGCCGGCGCAGGAAGGTGCTCTTCGAGGACCCC[C>G]TCTTCCCCGCCACTGACGACTCACTCTACTATAAGGGCACGCCGGGGCCCGCCGTCAGGT-3'
Protein context (NP_004046.2, residues 21-41): RRRKVLFEDP[Leu31Val]FPATDDSLYY